The following is an entry in ClinVar:

ClinVar aggregate classification (germline): Uncertain significance (1 of 4 stars; one submission).

Conditions:
Hereditary cancer-predisposing syndrome. Also called: Tumor predisposition; Hereditary Cancer Syndrome; Neoplastic Syndromes, Hereditary; Hereditary neoplastic syndrome. Identifiers: Orphanet 140162, MedGen C0027672, MeSH D009386, MONDO:0015356.

Allele frequency attached by ClinVar (database versions not stated): gnomAD exomes 0.00001.
gnomAD v4.1: 7 of 637,724 alleles (0.0011%); highest among the groups gnomAD compares: Non-Finnish European, 0.0018%; no homozygotes.

Submission:

Ambry Genetics
Classification: Uncertain significance for Hereditary cancer-predisposing syndrome. Last evaluated: 2025-06-06. Review status: criteria provided, single submitter. Criteria: Ambry Variant Classification Scheme 2023. Collection method: clinical testing. Allele origin: germline.
Comment: The p.E916D variant (also known as c.2748G>T), located in coding exon 16 of the ALK gene, results from a G to T substitution at nucleotide position 2748. The glutamic acid at codon 916 is replaced by aspartic acid, an amino acid with highly similar properties. This amino acid position is well conserved in available vertebrate species. In addition, this alteration is predicted to be tolerated by in silico analysis. Based on the available evidence, the clinical significance of this variant remains unclear.

NM_004304.5(ALK):c.2748G>T (p.Glu916Asp)

Gene: ALK (ALK receptor tyrosine kinase; minus strand). Cytogenetic location: 2p23.2.
Variant type: single nucleotide variant.
Coding change: c.2748G>T on transcript NM_004304.5 (MANE Select); coding-DNA position 2748, G replaced by T.
Protein change: p.Glu916Asp; replaces glutamic acid 916 with aspartic acid.
Molecular consequence: missense variant.
Genome position (GRCh38, 1-based): chr2:29,228,951, C>A on the plus strand (G>T on the coding strand, the complement: ALK is on the minus strand). VCF-style: chr2-29228951-C-A. GRCh37 (hg19) VCF-style: chr2-29451817-C-A.
Other names: short protein forms E916D.
Identifiers: ClinVar variation 1795510 (VCV001795510.3), dbSNP rs1305867497, ClinGen allele CA346469698.